The following is an entry in ClinVar:

ClinVar aggregate classification (germline): Conflicting classifications of pathogenicity. Review status: criteria provided, conflicting classifications (1 of 4 stars). 3 submissions from 3 submitters: Uncertain significance (2); Likely benign (1). Last evaluated 2026-02-03.

Conditions:
EP300-related disorder. Also called: EP300-related condition; EP300-related disorders.
Inborn genetic diseases. Identifiers: MedGen C0950123, MeSH D030342.
Rubinstein-Taybi syndrome due to EP300 haploinsufficiency. Also called: EP300-Related Rubinstein-Taybi Syndrome; RUBINSTEIN-TAYBI SYNDROME 2. Identifiers: Orphanet 353284, Orphanet 783, MedGen C3150941, MONDO:0013364, OMIM 613684.

Allele frequency attached by ClinVar (database versions not stated): 1000 Genomes Project 0.00020; 1000 Genomes Project 30x 0.00031; ExAC 0.00002; gnomAD exomes 0.00003.
gnomAD v4.1: 10 of 1,614,084 alleles (0.00062%); highest among the groups gnomAD compares: Admixed American, 0.012%; no homozygotes.

Submissions (3):

Labcorp Genetics (formerly Invitae), Labcorp
Classification: Likely benign for Rubinstein-Taybi syndrome due to EP300 haploinsufficiency. Last evaluated: 2026-02-03. Review status: criteria provided, single submitter. Criteria: Invitae Variant Classification Sherloc (09022015). Collection method: clinical testing. Allele origin: germline.

PreventionGenetics, part of Exact Sciences
Classification: Uncertain significance for EP300-related condition. Last evaluated: 2026-01-02. Review status: criteria provided, single submitter. Criteria: ACMG Guidelines, 2015. Collection method: clinical testing. Allele origin: germline.
Comment: The EP300 c.6091C>T variant is predicted to result in the amino acid substitution p.Pro2031Ser. To our knowledge, this variant has not been reported in the literature in individuals with EP300-related disorders. This variant is reported in 0.017% of alleles in individuals of Latino descent in gnomAD, which may be too common for a primary cause of disease. Although we suspect that this variant may be benign, at this time, the clinical significance of this variant is uncertain due to the absence of conclusive functional and genetic evidence.

Ambry Genetics
Classification: Uncertain significance for Inborn genetic diseases. Last evaluated: 2017-07-10. Review status: criteria provided, single submitter. Criteria: Ambry exome assertion method (8-5-2015). Collection method: clinical testing. Allele origin: germline. Affected: yes. Observed: 1 variant allele.

NM_001429.4(EP300):c.6091C>T (p.Pro2031Ser)

Gene: EP300 (EP300 lysine acetyltransferase; plus strand). Cytogenetic location: 22q13.2.
Variant type: single nucleotide variant.
Coding change: c.6091C>T on transcript NM_001429.4 (MANE Select); coding-DNA position 6091, C replaced by T.
Protein change: p.Pro2031Ser; replaces proline 2031 with serine.
Molecular consequence: missense variant.
Genome position (GRCh38, 1-based): chr22:41,177,802, C>T. VCF-style: chr22-41177802-C-T. GRCh37 (hg19) VCF-style: chr22-41573806-C-T.
Other names: c.6013C>T, p.Pro2005Ser (NM_001362843.2); short protein forms P2031S, P2005S.
Identifiers: ClinVar variation 521898 (VCV000521898.14), dbSNP rs199650847, ClinGen allele CA10253778.
Genomic context (GRCh38, chr22:41,177,802, plus strand): 5'-CCAAGGCCAGCCATGATGTCAGTGGCCCAGCATGGTCAACCTTTGAACATGGCTCCACAA[C>T]CAGGATTGGGCCAGGTAGGTATCAGCCCACTCAAACCAGGCACTGTGTCTCAACAAGCCT-3'
Protein context (NP_001420.2, residues 2021-2041): HGQPLNMAPQ[Pro2031Ser]GLGQVGISPL